The following is an entry in ClinVar:

ClinVar aggregate classification (germline): Conflicting classifications of pathogenicity. Review status: criteria provided, conflicting classifications (1 of 4 stars). 2 submissions from 2 submitters: Uncertain significance (1); Likely benign (1). Last evaluated 2025-12-23.

Conditions:
Familial sleep-related hypermotor epilepsy. Also called: Autosomal Dominant Sleep-Related Hypermotor (Hyperkinetic) Epilepsy. Identifiers: Orphanet 98784, MedGen C3696898, MONDO:0000030.
Inborn genetic diseases. Identifiers: MedGen C0950123, MeSH D030342.

Allele frequency attached by ClinVar (database versions not stated): TOPMed 0.00004; ExAC 0.00004; gnomAD exomes 0.00006 and 0.00002.
gnomAD v4.1: 14 of 1,594,462 alleles (0.00088%); highest among the groups gnomAD compares: Admixed American, 0.024%; no homozygotes.

Submissions (2):

Labcorp Genetics (formerly Invitae), Labcorp
Classification: Uncertain significance. Last evaluated: 2025-12-23. Review status: criteria provided, single submitter. Criteria: Invitae Variant Classification Sherloc (09022015). Collection method: clinical testing. Allele origin: germline.
Comment: This sequence change replaces serine, which is neutral and polar, with cysteine, which is neutral and slightly polar, at codon 512 of the CHRNA4 protein (p.Ser512Cys). This variant is present in population databases (rs754133410, gnomAD 0.04%), and has an allele count higher than expected for a pathogenic variant. This variant has not been reported in the literature in individuals affected with CHRNA4-related conditions. ClinVar contains an entry for this variant (Variation ID: 568165). Invitae Evidence Modeling of protein sequence and biophysical properties (such as structural, functional, and spatial information, amino acid conservation, physicochemical variation, residue mobility, and thermodynamic stability) indicates that this missense variant is not expected to disrupt CHRNA4 protein function with a negative predictive value of 80%. In summary, the available evidence is currently insufficient to determine the role of this variant in disease. Therefore, it has been classified as a Variant of Uncertain Significance.

Ambry Genetics
Classification: Likely benign for Inborn genetic diseases. Last evaluated: 2018-12-14. Review status: criteria provided, single submitter. Criteria: Ambry Variant Classification Scheme 2023. Collection method: clinical testing. Allele origin: germline.

NM_000744.7(CHRNA4):c.1535C>G (p.Ser512Cys)

Gene: CHRNA4 (cholinergic receptor nicotinic alpha 4 subunit; minus strand). Cytogenetic location: 20q13.33.
Variant type: single nucleotide variant.
Coding change: c.1535C>G on transcript NM_000744.7 (MANE Select); coding-DNA position 1535, C replaced by G.
Protein change: p.Ser512Cys; replaces serine 512 with cysteine.
Molecular consequence: missense variant. On other transcripts: non-coding transcript variant (1).
Genome position (GRCh38, 1-based): chr20:63,349,876, G>C on the plus strand (C>G on the coding strand, the complement: CHRNA4 is on the minus strand). VCF-style: chr20-63349876-G-C. GRCh37 (hg19) VCF-style: chr20-61981228-G-C.
Other names: c.1007C>G, p.Ser336Cys (NM_001256573.2); short protein forms S512C, S336C.
Identifiers: ClinVar variation 568165 (VCV000568165.8), dbSNP rs754133410, ClinGen allele CA9957578.
Genomic context (GRCh38, chr20:63,349,876, plus strand): 5'-GTGCATTTGCACGGAGAGGGCTGGTCTGGGGGTGGGAGCTCAGCCGAGTGGGTGTTGCGA[G>C]AGGCCAGGGCGCCGGCAGCCTGGCCATCTGCCTCGGGGGCGGCATCGTCTCGGGGAACAC-3'
Protein context (NP_000735.1, residues 502-522): ADGQAAGALA[Ser512Cys]RNTHSAELPP